The following is an entry in ClinVar:

ClinVar aggregate classification (germline): Uncertain significance (1 of 4 stars; one submission).

Conditions:
Hereditary cancer-predisposing syndrome. Also called: Hereditary Cancer Syndrome; Hereditary neoplastic syndrome; Tumor predisposition; Neoplastic Syndromes, Hereditary. Identifiers: Orphanet 140162, MedGen C0027672, MeSH D009386, MONDO:0015356.
Cardiovascular phenotype. Identifiers: MedGen CN230736.

Allele frequency attached by ClinVar (database versions not stated): gnomAD exomes below 0.00001.
gnomAD v4.1: 1 of 1,613,632 alleles (0.000062%); highest among the groups gnomAD compares: Admixed American, 0.0017%; no homozygotes.

Submission:

Ambry Genetics
Classification: Uncertain significance for Cardiovascular phenotype; Hereditary cancer-predisposing syndrome. Last evaluated: 2022-08-12. Review status: criteria provided, single submitter. Criteria: Ambry Variant Classification Scheme 2023. Collection method: clinical testing. Allele origin: germline.
Comment: The p.L774M variant (also known as c.2320C>A), located in coding exon 19 of the LZTR1 gene, results from a C to A substitution at nucleotide position 2320. The leucine at codon 774 is replaced by methionine, an amino acid with highly similar properties. This amino acid position is conserved. In addition, the in silico prediction for this alteration is inconclusive. Since supporting evidence is limited at this time, the clinical significance of this alteration remains unclear.

NM_006767.4(LZTR1):c.2320C>A (p.Leu774Met)

Gene: LZTR1 (leucine zipper like post translational regulator 1; plus strand). Cytogenetic location: 22q11.21.
Variant type: single nucleotide variant.
Coding change: c.2320C>A on transcript NM_006767.4 (MANE Select); coding-DNA position 2320, C replaced by A.
Protein change: p.Leu774Met; replaces leucine 774 with methionine.
Molecular consequence: missense variant.
Genome position (GRCh38, 1-based): chr22:20,996,796, C>A. VCF-style: chr22-20996796-C-A. GRCh37 (hg19) VCF-style: chr22-21351085-C-A.
Other names: short protein forms L774M.
Identifiers: ClinVar variation 1789572 (VCV001789572.2), dbSNP rs1207597060, ClinGen allele CA410780939.